The following is an entry in ClinVar:

NM_152703.5(SAMD9L):c.3868A>T (p.Ile1290Phe)

Gene: SAMD9L (sterile alpha motif domain containing 9 like; minus strand). Cytogenetic location: 7q21.2.
Variant type: single nucleotide variant.
Coding change: c.3868A>T on transcript NM_152703.5 (MANE Select); coding-DNA position 3868, A replaced by T.
Protein change: p.Ile1290Phe; replaces isoleucine 1290 with phenylalanine.
Molecular consequence: missense variant.
Genome position (GRCh38, 1-based): chr7:93,132,104, T>A on the plus strand (A>T on the coding strand, the complement: SAMD9L is on the minus strand). VCF-style: chr7-93132104-T-A. GRCh37 (hg19) VCF-style: chr7-92761417-T-A.
Other names: c.3868A>T, p.Ile1290Phe (NM_001303496.3, NM_001303497.3, NM_001303498.3 and 5 more transcripts); short protein forms I1290F.
Identifiers: ClinVar variation 4841991 (VCV004841991.1).

ClinVar aggregate classification (germline): Uncertain significance (1 of 4 stars; one submission).

Conditions:
Inborn genetic diseases. Identifiers: MedGen C0950123, MeSH D030342.

Submission:

Ambry Genetics
Classification: Uncertain significance for Inborn genetic diseases. Last evaluated: 2025-12-15. Review status: criteria provided, single submitter. Criteria: Ambry Variant Classification Scheme 2023. Collection method: clinical testing. Allele origin: germline.
Comment: The p.I1290F variant (also known as c.3868A>T), located in coding exon 1 of the SAMD9L gene, results from an A to T substitution at nucleotide position 3868. The isoleucine at codon 1290 is replaced by phenylalanine, an amino acid with highly similar properties. This amino acid position is conserved. In addition, this alteration is predicted to be tolerated by in silico analysis. Based on the available evidence, the clinical significance of this variant remains unclear.